The following is an entry in ClinVar:

NM_000260.4(MYO7A):c.5481-1G>A

Gene: MYO7A (myosin VIIA; plus strand). Cytogenetic location: 11q13.5.
Variant type: single nucleotide variant.
Coding change: c.5481-1G>A on transcript NM_000260.4 (MANE Select); the canonical splice acceptor site of the intron before coding-DNA position 5481, G replaced by A.
Molecular consequence: splice acceptor variant.
Genome position (GRCh38, 1-based): chr11:77,205,461, G>A. VCF-style: chr11-77205461-G-A. GRCh37 (hg19) VCF-style: chr11-76916506-G-A.
Other names: c.5334-1G>A (NM_001369365.1); c.5367-1G>A (NM_001127180.2); c.5481-1G>A (NM_000260.3).
Identifiers: ClinVar variation 2706738 (VCV002706738.5), dbSNP rs1555105118, ClinGen allele CA381952832.

ClinVar aggregate classification (germline): Pathogenic/Likely pathogenic. Review status: criteria provided, multiple submitters, no conflicts (2 of 4 stars). 2 submissions from 2 submitters: Pathogenic (1); Likely pathogenic (1). Last evaluated 2025-03-20.

Conditions:
Usher syndrome type 1B (USH1B). Also called: Usher syndrome type IB. Identifiers: MedGen C1848638, MONDO:0700087.

Submissions (2):

Natera, Inc.
Classification: Likely pathogenic for Usher syndrome type 1B. Last evaluated: 2025-03-20. Review status: criteria provided, single submitter. Criteria: Natera Variant Classification Schema (03/2026). Collection method: clinical testing. Allele origin: germline.
Comment: The c.5481-1G>A variant in MYO7A is a canonical splice acceptor site variant predicted to affect pre-mRNA splicing, which may result in an abnormal transcript and altered protein product. This variant is expected to result in nonsense mediated decay, truncation, or a dysfunctional protein product. This variant is rare in the general population with a frequency below the threshold expected for the associated phenotype(s). Given the available evidence, this variant is classified as Likely Pathogenic.

Labcorp Genetics (formerly Invitae), Labcorp
Classification: Pathogenic. Last evaluated: 2024-01-26. Review status: criteria provided, single submitter. Criteria: Invitae Variant Classification Sherloc (09022015). Collection method: clinical testing. Allele origin: germline.
Comment: This sequence change affects an acceptor splice site in intron 39 of the MYO7A gene. It is expected to disrupt RNA splicing. Variants that disrupt the donor or acceptor splice site typically lead to a loss of protein function (PMID: 16199547), and loss-of-function variants in MYO7A are known to be pathogenic (PMID: 8900236, 25404053). This variant is not present in population databases (gnomAD no frequency). Disruption of this splice site has been observed in individual(s) with clinical features of autosomal recessive MYO7A-related conditions (PMID: 36284460; Invitae). In at least one individual the data is consistent with being in trans (on the opposite chromosome) from a pathogenic variant. Algorithms developed to predict the effect of sequence changes on RNA splicing suggest that this variant may disrupt the consensus splice site. For these reasons, this variant has been classified as Pathogenic.

Literature cited by the submitters: PubMed 16199547 (cited by Labcorp Genetics (formerly Invitae), Labcorp); PubMed 8900236 (cited by Labcorp Genetics (formerly Invitae), Labcorp); PubMed 25404053 (cited by Labcorp Genetics (formerly Invitae), Labcorp); PubMed 36284460 (cited by Labcorp Genetics (formerly Invitae), Labcorp).